The following is an entry in ClinVar:

ClinVar aggregate classification (germline): Likely benign (1 of 4 stars; one submission).

gnomAD v4.1: 33 of 1,611,764 alleles (0.002%); highest among the groups gnomAD compares: Non-Finnish European, 0.0028%; no homozygotes.

Submission:

CeGaT Center for Human Genetics Tuebingen
Classification: Likely benign. Last evaluated: 2026-06-01. Review status: criteria provided, single submitter. Criteria: CeGaT Center For Human Genetics Tuebingen Variant Classification Criteria Version 2. Collection method: clinical testing. Allele origin: germline. Affected: yes. Observed: 1 variant allele.
Comment: ABCA2: BP4, BP7

NM_001606.5(ABCA2):c.477G>T (p.Pro159=)

Gene: ABCA2 (ATP binding cassette subfamily A member 2; minus strand). Cytogenetic location: 9q34.3.
Variant type: single nucleotide variant.
Coding change: c.477G>T on transcript NM_001606.5 (MANE Select); coding-DNA position 477, G replaced by T.
Protein change: p.Pro159=; no amino-acid change (proline 159 retained).
Molecular consequence: synonymous variant.
Genome position (GRCh38, 1-based): chr9:137,022,441, C>A on the plus strand (G>T on the coding strand, the complement: ABCA2 is on the minus strand). VCF-style: chr9-137022441-C-A. GRCh37 (hg19) VCF-style: chr9-139916893-C-A.
Other names: c.474G>T, p.Pro158= (NM_001411042.1); c.567G>T, p.Pro189= (NM_212533.3).
Identifiers: ClinVar variation 4872251 (VCV004872251.2).